The following is an entry in ClinVar:

NM_001199107.2(TBC1D24):c.1143-15G>A

Gene: TBC1D24 (TBC1 domain family member 24; plus strand). Cytogenetic location: 16p13.3.
Variant type: single nucleotide variant.
Coding change: c.1143-15G>A on transcript NM_001199107.2 (MANE Select); 15 bases into the intron before coding-DNA position 1143, G replaced by A.
Molecular consequence: intron variant.
Genome position (GRCh38, 1-based): chr16:2,499,342, G>A. VCF-style: chr16-2499342-G-A. GRCh37 (hg19) VCF-style: chr16-2549343-G-A.
Other names: c.1125-15G>A (NM_020705.3).
Identifiers: ClinVar variation 139399 (VCV000139399.19), dbSNP rs371213803, ClinGen allele CA293875.

ClinVar aggregate classification (germline): Conflicting classifications of pathogenicity. Review status: criteria provided, conflicting classifications (1 of 4 stars). 6 submissions from 6 submitters: Uncertain significance (2); Benign (1); Likely benign (3). Last evaluated 2026-01-28.

Conditions:
Autosomal dominant nonsyndromic hearing loss 65. Also called: Deafness, autosomal dominant 65; TBC1D24-Related Autosomal Dominant Nonsyndromic Hearing Loss (DFNA). Identifiers: Orphanet 90635, MedGen C3892048, MONDO:0014470, OMIM 616044.
Developmental and epileptic encephalopathy, 1 (DEE1). Also called: X-linked infantile spasms; West's syndrome; Tonic spasms with clustering, arrest of psychomotor development and hypsarrhythmia on EEG; X-Linked Infantile Spasm Syndrome; OHTAHARA SYNDROME, X-LINKED; INFANTILE SPASM SYNDROME, X-LINKED 1. Identifiers: MedGen C3463992, MONDO:0010632, OMIM 308350. Disease mechanism: loss of function.
Familial infantile myoclonic epilepsy (FIME). Also called: Epilepsy, Myoclonic, Infantile; TBC1D24-Related Familial Infantile Myoclonic Epilepsy (FIME). Identifiers: Orphanet 352582, MedGen C0917800, MONDO:0011506, OMIM 605021.

Allele frequency attached by ClinVar (database versions not stated): ExAC 0.00021; gnomAD exomes 0.00028 and 0.00065; gnomAD 0.00034 and 0.00035; TOPMed 0.00034; ESP Exome Variant Server 0.00039.
gnomAD v4.1: 1,001 of 1,610,824 alleles (0.062%); highest among the groups gnomAD compares: Non-Finnish European, 0.081%; 2 homozygotes.

Submissions (6):

Labcorp Genetics (formerly Invitae), Labcorp
Classification: Likely benign for Developmental and epileptic encephalopathy, 1; Autosomal dominant nonsyndromic hearing loss 65. Last evaluated: 2026-01-28. Review status: criteria provided, single submitter. Criteria: Invitae Variant Classification Sherloc (09022015). Collection method: clinical testing. Allele origin: germline.

Women's Health and Genetics/Laboratory Corporation of America, LabCorp
Classification: Likely benign. Last evaluated: 2025-05-26. Review status: criteria provided, single submitter. Criteria: LabCorp Variant Classification Summary - May 2015. Collection method: clinical testing. Allele origin: germline.

Blueprint Genetics
Classification: Likely benign. Last evaluated: 2024-09-20. Review status: criteria provided, single submitter. Criteria: ACMG Guidelines, 2015. Collection method: clinical testing. Allele origin: germline.

Laboratory for Molecular Medicine, Mass General Brigham Personalized Medicine
Classification: Uncertain significance. Last evaluated: 2018-02-10. Review status: criteria provided, single submitter. Criteria: LMM Criteria. Collection method: clinical testing. Allele origin: germline. Observed: 1 variant allele.
Comment: Variant classified as Uncertain Significance - Favor Benign. The c.1143-15G>A va riant in TBC1D24 has not been previously reported in individuals with hearing lo ss, but has been identified in 0.05% (60/124072) of European chromosomes by the Genome Aggregation Database (gnomAD; dbSNP rs3 71213803). This variant is located in the 3' splice region. Computational tools do not suggest an impact to splicing. However, this information is not predictiv e enough to rule out pathogenicity. In summary, while the clinical significance of the c.1143-15G>A variant is uncertain, these data suggest that it is more lik ely to be benign. ACMG/AMP Criteria applied: BP7.

Illumina Laboratory Services, Illumina
Classification: Uncertain significance for Familial infantile myoclonic epilepsy. Last evaluated: 2018-01-12. Review status: criteria provided, single submitter. Criteria: ICSL Variant Classification Criteria 13 December 2019. Collection method: clinical testing. Allele origin: germline.

GeneDx
Classification: Benign. Last evaluated: 2014-05-22. Review status: criteria provided, single submitter. Criteria: GeneDx Variant Classification (06012015). Collection method: clinical testing. Allele origin: germline. Affected: yes.
Comment: This variant is considered likely benign or benign based on one or more of the following criteria: it is a conservative change, it occurs at a poorly conserved position in the protein, it is predicted to be benign by multiple in silico algorithms, and/or has population frequency not consistent with disease.